The following is an entry in ClinVar:

NM_024753.5(TTC21B):c.3617T>C (p.Ile1206Thr)

Gene: TTC21B (tetratricopeptide repeat domain 21B; minus strand). Cytogenetic location: 2q24.3.
Variant type: single nucleotide variant.
Coding change: c.3617T>C on transcript NM_024753.5 (MANE Select); coding-DNA position 3617, T replaced by C.
Protein change: p.Ile1206Thr; replaces isoleucine 1206 with threonine.
Molecular consequence: missense variant.
Genome position (GRCh38, 1-based): chr2:165,883,861, A>G on the plus strand (T>C on the coding strand, the complement: TTC21B is on the minus strand). VCF-style: chr2-165883861-A-G. GRCh37 (hg19) VCF-style: chr2-166740371-A-G.
Other names: c.3617T>C (NM_024753.4); short protein forms I1206T.
Identifiers: ClinVar variation 1436109 (VCV001436109.5), dbSNP rs374240595, ClinGen allele CA1941465.

ClinVar aggregate classification (germline): Uncertain significance. Review status: criteria provided, multiple submitters, no conflicts (2 of 4 stars). 3 submissions from 3 submitters: Uncertain significance (3). Last evaluated 2025-09-23.

Conditions:
TTC21B-related disorder. Also called: TTC21B-related disorders; TTC21B-related condition.
Nephronophthisis 12 (NPHP12). Identifiers: Orphanet 655, MedGen C3151186, MONDO:0013442, OMIM 613820.
Asphyxiating thoracic dystrophy 4 (SRTD4). Also called: SHORT-RIB THORACIC DYSPLASIA 4 WITH OR WITHOUT POLYDACTYLY; SHORT-RIB THORACIC DYSPLASIA 4. Identifiers: Orphanet 474, MedGen C3151185, MONDO:0013441, OMIM 613819.
Nephronophthisis. Also called: Juvenile Nephronophthisis. Identifiers: Orphanet 655, MedGen C0687120, MONDO:0019005, HP:0000090.
Jeune thoracic dystrophy. Also called: Jeune syndrome; Infantile thoracic dystrophy; Thoracic pelvic phalangeal dystrophy; Jeune's syndrome; Chondroectodermal dysplasia-like syndrome; Short-rib thoracic dysplasia. Identifiers: Orphanet 474, MedGen C0265275, MONDO:0018770.

Allele frequency attached by ClinVar (database versions not stated): ExAC 0.00002; gnomAD 0.00002 and 0.00003; gnomAD exomes 0.00002 and 0.00008; TOPMed 0.00004; ESP Exome Variant Server 0.00008.
gnomAD v4.1: 113 of 1,614,006 alleles (0.007%); highest among the groups gnomAD compares: Middle Eastern, 0.016%; no homozygotes.

Submissions (3):

PreventionGenetics, part of Exact Sciences
Classification: Uncertain significance for TTC21B-related condition. Last evaluated: 2025-09-23. Review status: criteria provided, single submitter. Criteria: ACMG Guidelines, 2015. Collection method: clinical testing. Allele origin: germline.
Comment: The TTC21B c.3617T>C variant is predicted to result in the amino acid substitution p.Ile1206Thr. To our knowledge, this variant has not been reported in the literature. This variant is reported in 0.0039% of alleles in individuals of European (Non-Finnish) descent in gnomAD. At this time, the clinical significance of this variant is uncertain due to the absence of conclusive functional and genetic evidence.

Labcorp Genetics (formerly Invitae), Labcorp
Classification: Uncertain significance for Jeune thoracic dystrophy; Nephronophthisis. Last evaluated: 2022-10-17. Review status: criteria provided, single submitter. Criteria: Invitae Variant Classification Sherloc (09022015). Collection method: clinical testing. Allele origin: germline.
Comment: This sequence change replaces isoleucine, which is neutral and non-polar, with threonine, which is neutral and polar, at codon 1206 of the TTC21B protein (p.Ile1206Thr). This variant is present in population databases (rs374240595, gnomAD 0.004%). This variant has not been reported in the literature in individuals affected with TTC21B-related conditions. ClinVar contains an entry for this variant (Variation ID: 1436109). Advanced modeling of protein sequence and biophysical properties (such as structural, functional, and spatial information, amino acid conservation, physicochemical variation, residue mobility, and thermodynamic stability) performed at Invitae indicates that this missense variant is not expected to disrupt TTC21B protein function. In summary, the available evidence is currently insufficient to determine the role of this variant in disease. Therefore, it has been classified as a Variant of Uncertain Significance.

Fulgent Genetics
Classification: Uncertain significance for Asphyxiating thoracic dystrophy 4; Nephronophthisis 12. Last evaluated: 2022-02-18. Review status: criteria provided, single submitter. Criteria: ACMG Guidelines, 2015. Collection method: clinical testing. Allele origin: unknown.